The following is an entry in ClinVar:

ClinVar aggregate classification (germline): Uncertain significance (1 of 4 stars; one submission).

Submission:

GeneDx
Classification: Uncertain significance. Last evaluated: 2025-06-23. Review status: criteria provided, single submitter. Criteria: GeneDx Variant Classification Process June 2021. Collection method: clinical testing. Allele origin: germline. Affected: yes.
Comment: Not observed at significant frequency in large population cohorts (gnomAD); In silico analysis suggests that this missense variant does not alter protein structure/function; Has not been previously published as pathogenic or benign to our knowledge

NM_003482.4(KMT2D):c.12025T>G (p.Phe4009Val)

Gene: KMT2D (lysine methyltransferase 2D; minus strand). Cytogenetic location: 12q13.12.
Variant type: single nucleotide variant.
Coding change: c.12025T>G on transcript NM_003482.4 (MANE Select); coding-DNA position 12025, T replaced by G.
Protein change: p.Phe4009Val; replaces phenylalanine 4009 with valine.
Molecular consequence: missense variant.
Genome position (GRCh38, 1-based): chr12:49,032,680, A>C on the plus strand (T>G on the coding strand, the complement: KMT2D is on the minus strand). VCF-style: chr12-49032680-A-C. GRCh37 (hg19) VCF-style: chr12-49426463-A-C.
Other names: short protein forms F4009V.
Identifiers: ClinVar variation 4540304 (VCV004540304.1).